The following is an entry in ClinVar:

ClinVar aggregate classification (germline): Pathogenic (0 of 4 stars; one submission).

Submission:

GenMed Metabolism Lab
Classification: Pathogenic. Review status: no assertion criteria provided. Collection method: not provided. Allele origin: unknown.
Comment: p.Glu52Gly, Neonatal
ClinVar note: Converted during submission from pathogenic to Pathogenic.

NM_000531.6(OTC):c.155A>G (p.Glu52Gly)

Gene: OTC (ornithine transcarbamylase; plus strand). Cytogenetic location: Xp11.4.
Variant type: single nucleotide variant.
Coding change: c.155A>G on transcript NM_000531.6 (MANE Select); coding-DNA position 155, A replaced by G.
Protein change: p.Glu52Gly; replaces glutamic acid 52 with glycine.
Molecular consequence: missense variant.
Genome position (GRCh38, 1-based): chrX:38,367,368, A>G. VCF-style: chrX-38367368-A-G. GRCh37 (hg19) VCF-style: chrX-38226621-A-G.
Other names: short protein forms E52G.
Identifiers: ClinVar variation 97120 (VCV000097120.2), dbSNP rs72554317, ClinGen allele CA224478.